The following is an entry in ClinVar:

ClinVar aggregate classification (germline): Pathogenic. Review status: criteria provided, single submitter (1 of 4 stars). 2 submissions from 2 submitters: Pathogenic (1). 1 of the submissions does not count toward it. Last evaluated 2024-10-01.

Conditions:
Intellectual developmental disorder, X-linked 104. Also called: Intellectual disability, X-linked 104. Identifiers: MedGen C4310817, MONDO:0010509, OMIM 300983.

Submissions (2):

Institute of Human Genetics, FAU Erlangen, Friedrich-Alexander-Universität Erlangen-Nürnberg
Classification: Pathogenic for Intellectual developmental disorder, X-linked 104. Last evaluated: 2024-10-01. Review status: criteria provided, single submitter. Criteria: Hauer et al. (Genet Med. 2018). Collection method: clinical testing. Allele origin: germline. Inheritance: Autosomal dominant inheritance. Affected: yes. Observed: 1 variant allele.
Comment: This variant has been identified by standard clinical testing. Selected ACMG criteria: Pathogenic (I):PM2;PS2;PVS1

OMIM
Classification: Pathogenic for INTELLECTUAL DEVELOPMENTAL DISORDER, X-LINKED 104. Last evaluated: 2021-08-20. Review status: no assertion criteria provided. Collection method: literature only. Allele origin: germline. Not counted in ClinVar's aggregate classification.

Literature cited by the submitters: PubMed 29267967 (cited by OMIM).

NM_001368397.1(FRMPD4):c.856C>T (p.Arg286Ter)

Gene: FRMPD4 (FERM and PDZ domain containing 4; plus strand). Cytogenetic location: Xp22.2.
Variant type: single nucleotide variant.
Coding change: c.856C>T on transcript NM_001368397.1 (MANE Select); coding-DNA position 856, C replaced by T.
Protein change: p.Arg286Ter; replaces arginine 286 with a stop codon.
Molecular consequence: nonsense.
Genome position (GRCh38, 1-based): chrX:12,694,377, C>T. VCF-style: chrX-12694377-C-T. GRCh37 (hg19) VCF-style: chrX-12712496-C-T.
Other names: c.967C>T, p.Arg323Ter (NM_001368395.3, NM_001368398.3); c.862C>T, p.Arg288Ter (NM_001368396.3); c.847C>T, p.Arg283Ter (NM_001368399.3); c.736C>T, p.Arg246Ter (NM_001368400.3); c.832C>T, p.Arg278Ter (NM_001368401.1, NM_001368402.3); c.856C>T, p.Arg286Ter (NM_014728.3); short protein forms R286*, R278*, R246*, R288*, R323*, R283*.
Identifiers: ClinVar variation 599280 (VCV000599280.4), dbSNP rs1569057837, ClinGen allele CA412008095.